The following is an entry in ClinVar:

ClinVar aggregate classification (germline): Uncertain significance. Review status: criteria provided, multiple submitters, no conflicts (2 of 4 stars). 9 submissions from 8 submitters: Uncertain significance (8). 1 of the submissions does not count toward it. Last evaluated 2026-08-28.

Conditions:
Inborn genetic diseases. Identifiers: MedGen C0950123, MeSH D030342.
Usher syndrome type 2A. Also called: RETINAL DISEASE IN USHER SYNDROME TYPE IIA, MODIFIER OF; USHER SYNDROME, TYPE IIA. Identifiers: Orphanet 231178, Orphanet 886, MedGen C1848634, MONDO:0010169, OMIM 276901.
Retinitis pigmentosa 39 (RP39). Identifiers: Orphanet 791, MedGen C3151138, MONDO:0013436, OMIM 613809.
USH2A-related disorder. Also called: USH2A-related disorders; USH2A-related condition. Identifiers: MedGen CN239332.

Allele frequency attached by ClinVar (database versions not stated): gnomAD 0.00003; ExAC 0.00004; TOPMed 0.00005; gnomAD exomes 0.00006; ESP Exome Variant Server 0.00008.
gnomAD v4.1: 80 of 1,613,442 alleles (0.005%); highest among the groups gnomAD compares: Admixed American, 0.0083%; no homozygotes.

Submissions (9):

PreventionGenetics, part of Exact Sciences
Classification: Uncertain significance for USH2A-related condition. Last evaluated: 2026-08-28. Review status: criteria provided, single submitter. Criteria: ACMG Guidelines, 2015. Collection method: clinical testing. Allele origin: germline.
Comment: The USH2A c.4169C>G variant is predicted to result in the amino acid substitution p.Thr1390Arg. To our knowledge, this variant has not been reported in the literature. This variant is reported in 0.011% of alleles in individuals of Latino descent in gnomAD. At this time, the clinical significance of this variant is uncertain due to the absence of conclusive functional and genetic evidence.

Ambry Genetics
Classification: Uncertain significance for Inborn genetic diseases. Last evaluated: 2025-07-15. Review status: criteria provided, single submitter. Criteria: Ambry Variant Classification Scheme 2023. Collection method: clinical testing. Allele origin: germline.

GeneDx
Classification: Uncertain significance. Last evaluated: 2024-12-12. Review status: criteria provided, single submitter. Criteria: GeneDx Variant Classification Process June 2021. Collection method: clinical testing. Allele origin: germline. Affected: yes.
Comment: In silico analysis indicates that this missense variant does not alter protein structure/function; Has not been previously published as pathogenic or benign to our knowledge

Blueprint Genetics
Classification: Uncertain significance. Last evaluated: 2024-11-05. Review status: criteria provided, single submitter. Criteria: ACMG Guidelines, 2015. Collection method: clinical testing. Allele origin: germline.

Genome-Nilou Lab
Classification: Uncertain significance for Retinitis pigmentosa 39. Last evaluated: 2023-11-04. Review status: criteria provided, single submitter. Criteria: ACMG Guidelines, 2015. Collection method: clinical testing. Allele origin: germline. Affected: no.

Genome-Nilou Lab
Classification: Uncertain significance for Usher syndrome type 2A. Last evaluated: 2023-11-04. Review status: criteria provided, single submitter. Criteria: ACMG Guidelines, 2015. Collection method: clinical testing. Allele origin: germline. Affected: no.

Labcorp Genetics (formerly Invitae), Labcorp
Classification: Uncertain significance. Last evaluated: 2022-09-27. Review status: criteria provided, single submitter. Criteria: Invitae Variant Classification Sherloc (09022015). Collection method: clinical testing. Allele origin: germline.
Comment: This sequence change replaces threonine, which is neutral and polar, with arginine, which is basic and polar, at codon 1390 of the USH2A protein (p.Thr1390Arg). This variant is present in population databases (rs370430107, gnomAD 0.01%). This variant has not been reported in the literature in individuals affected with USH2A-related conditions. ClinVar contains an entry for this variant (Variation ID: 666946). Advanced modeling of protein sequence and biophysical properties (such as structural, functional, and spatial information, amino acid conservation, physicochemical variation, residue mobility, and thermodynamic stability) performed at Invitae indicates that this missense variant is not expected to disrupt USH2A protein function. In summary, the available evidence is currently insufficient to determine the role of this variant in disease. Therefore, it has been classified as a Variant of Uncertain Significance.

Laboratory for Molecular Medicine, Mass General Brigham Personalized Medicine
Classification: Uncertain significance. Last evaluated: 2018-05-07. Review status: criteria provided, single submitter. Criteria: LMM Criteria. Collection method: clinical testing. Allele origin: germline. Observed: 1 variant allele.
Comment: The p.Thr1390Arg variant in USH2A has not been previously reported in individual s with hearing loss or Usher syndrome, but was identified in 0.01% (17/276532) o f general population chromosomes by the Genome Aggregation Database (gnomAD; dbSNP rs370430107). Although this variant has bee n seen in the general population, its frequency is not high enough to rule out a pathogenic role. Computational prediction tools and conservation analysis do no t provide strong support for or against an impact to the protein. In summary, th e clinical significance of the p.Thr1390Arg variant is uncertain. ACMG/AMP Crite ria applied: PM2_Supporting.

Natera, Inc.
Classification: Uncertain significance for Usher syndrome type 2A. Last evaluated: 2020-02-06. Review status: no assertion criteria provided. Collection method: clinical testing. Allele origin: germline. Not counted in ClinVar's aggregate classification.

NM_206933.4(USH2A):c.4169C>G (p.Thr1390Arg)

Genes: USH2A-AS1 (USH2A antisense RNA 1; plus strand), USH2A (usherin; minus strand). Cytogenetic location: 1q41.
Variant type: single nucleotide variant.
Coding change: c.4169C>G on transcript NM_206933.4 (MANE Select); coding-DNA position 4169, C replaced by G.
Protein change: p.Thr1390Arg; replaces threonine 1390 with arginine.
Molecular consequence: missense variant.
Genome position (GRCh38, 1-based): chr1:216,196,635, G>C on the plus strand (C>G on the coding strand, the complement: USH2A is on the minus strand). VCF-style: chr1-216196635-G-C. GRCh37 (hg19) VCF-style: chr1-216369977-G-C.
Other names: c.4169C>G, p.Thr1390Arg (NM_007123.6); short protein forms T1390R.
Identifiers: ClinVar variation 666946 (VCV000666946.16), dbSNP rs370430107, ClinGen allele CA1395791.